The following is an entry in ClinVar:

ClinVar aggregate classification (germline): Pathogenic (1 of 4 stars; one submission).

Conditions:
Tuberous sclerosis 2 (TSC2). Identifiers: Orphanet 805, MedGen C1860707, MONDO:0013199, OMIM 613254.

Submission:

Labcorp Genetics (formerly Invitae), Labcorp
Classification: Pathogenic for Tuberous sclerosis 2. Last evaluated: 2022-02-28. Review status: criteria provided, single submitter. Criteria: Invitae Variant Classification Sherloc (09022015). Collection method: clinical testing. Allele origin: germline.
Comment: For these reasons, this variant has been classified as Pathogenic. This variant has not been reported in the literature in individuals affected with TSC2-related conditions. This variant results in the deletion of exons 1-2 and part of exon 3 (c.-18343_199del) of the TSC2 gene. It is expected to result in an absent or disrupted protein product. Loss-of-function variants in TSC2 are known to be pathogenic (PMID: 10205261, 17304050).

Literature cited by the submitters: PubMed 10205261; PubMed 17304050.

NC_000016.9:g.(?_2079753)_(2100460_?)del

Genes: NHERF2 (NHERF family PDZ scaffold protein 2; plus strand), NTHL1 (nth like DNA glycosylase 1; minus strand), TSC2 (TSC complex subunit 2; plus strand). Cytogenetic location: 16p13.3.
Variant type: Deletion.
Identifiers: ClinVar variation 2423303 (VCV002423303.4).